The following is an entry in ClinVar:

NM_014000.3(VCL):c.2338C>T (p.Arg780Cys)

Gene: VCL (vinculin; plus strand). Cytogenetic location: 10q22.2.
Variant type: single nucleotide variant.
Coding change: c.2338C>T on transcript NM_014000.3 (MANE Select); coding-DNA position 2338, C replaced by T.
Protein change: p.Arg780Cys; replaces arginine 780 with cysteine.
Molecular consequence: missense variant.
Genome position (GRCh38, 1-based): chr10:74,105,257, C>T. VCF-style: chr10-74105257-C-T. GRCh37 (hg19) VCF-style: chr10-75865015-C-T.
Other names: c.2338C>T, p.Arg780Cys (NM_003373.4); short protein forms R780C.
Identifiers: ClinVar variation 877731 (VCV000877731.11), dbSNP rs753445972, ClinGen allele CA5563191.

ClinVar aggregate classification (germline): Uncertain significance. Review status: criteria provided, multiple submitters, no conflicts (2 of 4 stars). 3 submissions from 3 submitters: Uncertain significance (3). Last evaluated 2025-03-04.

Conditions:
Cardiovascular phenotype. Identifiers: MedGen CN230736.
Dilated cardiomyopathy 1W (CMD1W). Identifiers: Orphanet 154, MedGen C1969639, MONDO:0012667, OMIM 611407.

Allele frequency attached by ClinVar (database versions not stated): ExAC 0.00001; gnomAD 0.00001; gnomAD exomes 0.00001.
gnomAD v4.1: 8 of 1,613,914 alleles (0.0005%); highest among the groups gnomAD compares: Admixed American, 0.005%; no homozygotes.

Submissions (3):

Ambry Genetics
Classification: Uncertain significance for Cardiovascular phenotype. Last evaluated: 2025-03-04. Review status: criteria provided, single submitter. Criteria: Ambry Variant Classification Scheme 2023. Collection method: clinical testing. Allele origin: germline.
Comment: The p.R780C variant (also known as c.2338C>T), located in coding exon 16 of the VCL gene, results from a C to T substitution at nucleotide position 2338. The arginine at codon 780 is replaced by cysteine, an amino acid with highly dissimilar properties. This amino acid position is conserved. In addition, the in silico prediction for this alteration is inconclusive. Since supporting evidence is limited at this time, the clinical significance of this alteration remains unclear.

Labcorp Genetics (formerly Invitae), Labcorp
Classification: Uncertain significance for Dilated cardiomyopathy 1W. Last evaluated: 2022-02-08. Review status: criteria provided, single submitter. Criteria: Invitae Variant Classification Sherloc (09022015). Collection method: clinical testing. Allele origin: germline.
Comment: In summary, the available evidence is currently insufficient to determine the role of this variant in disease. Therefore, it has been classified as a Variant of Uncertain Significance. This sequence change replaces arginine, which is basic and polar, with cysteine, which is neutral and slightly polar, at codon 780 of the VCL protein (p.Arg780Cys). This variant is present in population databases (rs753445972, gnomAD 0.009%). This variant has not been reported in the literature in individuals affected with VCL-related conditions. ClinVar contains an entry for this variant (Variation ID: 877731). Algorithms developed to predict the effect of missense changes on protein structure and function are either unavailable or do not agree on the potential impact of this missense change (SIFT: "Not Available"; PolyPhen-2: "Probably Damaging"; Align-GVGD: "Not Available").

Illumina Laboratory Services, Illumina
Classification: Uncertain significance for Dilated cardiomyopathy 1W. Last evaluated: 2018-01-12. Review status: criteria provided, single submitter. Criteria: ICSL Variant Classification Criteria 13 December 2019. Collection method: clinical testing. Allele origin: germline.